The following is an entry in ClinVar:

NM_004656.4(BAP1):c.688C>G (p.Leu230Val)

Gene: BAP1 (BRCA1 associated deubiquitinase 1; minus strand). Cytogenetic location: 3p21.1.
Variant type: single nucleotide variant.
Coding change: c.688C>G on transcript NM_004656.4 (MANE Select); coding-DNA position 688, C replaced by G.
Protein change: p.Leu230Val; replaces leucine 230 with valine.
Molecular consequence: missense variant. On other transcripts: intron variant (1).
Genome position (GRCh38, 1-based): chr3:52,406,348, G>C on the plus strand (C>G on the coding strand, the complement: BAP1 is on the minus strand). VCF-style: chr3-52406348-G-C. GRCh37 (hg19) VCF-style: chr3-52440364-G-C.
Other names: c.660-26C>G (NM_001410772.1); short protein forms L230V.
Identifiers: ClinVar variation 4763001 (VCV004763001.1).

ClinVar aggregate classification (germline): Uncertain significance (1 of 4 stars; one submission).

Conditions:
BAP1-related tumor predisposition syndrome (TPDS1). Also called: Tumor susceptibility linked to germline BAP1 mutations; BAP1 tumor predisposition syndrome; COMMON Syndrome; TUMOR PREDISPOSITION SYNDROME 1. Identifiers: Orphanet 289539, MedGen C3280492, MONDO:0013692, OMIM 614327.

Submission:

Labcorp Genetics (formerly Invitae), Labcorp
Classification: Uncertain significance for BAP1-related tumor predisposition syndrome. Last evaluated: 2025-02-25. Review status: criteria provided, single submitter. Criteria: Invitae Variant Classification Sherloc (09022015). Collection method: clinical testing. Allele origin: germline.
Comment: This sequence change replaces leucine, which is neutral and non-polar, with valine, which is neutral and non-polar, at codon 230 of the BAP1 protein (p.Leu230Val). This variant is not present in population databases (gnomAD no frequency). This variant has not been reported in the literature in individuals affected with BAP1-related conditions. Invitae Evidence Modeling of protein sequence and biophysical properties (such as structural, functional, and spatial information, amino acid conservation, physicochemical variation, residue mobility, and thermodynamic stability) indicates that this missense variant is expected to disrupt BAP1 protein function with a positive predictive value of 80%. In summary, the available evidence is currently insufficient to determine the role of this variant in disease. Therefore, it has been classified as a Variant of Uncertain Significance.